The following is an entry in ClinVar:

NM_182961.4(SYNE1):c.22792C>G (p.Gln7598Glu)

Gene: SYNE1 (spectrin repeat containing nuclear envelope protein 1; minus strand). Cytogenetic location: 6q25.2.
Variant type: single nucleotide variant.
Coding change: c.22792C>G on transcript NM_182961.4 (MANE Select); coding-DNA position 22792, C replaced by G.
Protein change: p.Gln7598Glu; replaces glutamine 7598 with glutamic acid.
Molecular consequence: missense variant.
Genome position (GRCh38, 1-based): chr6:152,208,004, G>C on the plus strand (C>G on the coding strand, the complement: SYNE1 is on the minus strand). VCF-style: chr6-152208004-G-C. GRCh37 (hg19) VCF-style: chr6-152529139-G-C.
Other names: c.22579C>G, p.Gln7527Glu (NM_033071.5); short protein forms Q7598E, Q7527E.
Identifiers: ClinVar variation 1978965 (VCV001978965.4), dbSNP rs761862583, ClinGen allele CA4053799.
Genomic context (GRCh38, chr6:152,208,004, plus strand): 5'-TGTGAGAACACTGTGTTTTGCATCTTACCTGCACTTCATCAAAGAGGGTCCTTGCTTGTT[G>C]CAGTGGTATAGGAACACTTCCGAGACCACTCATGGGGAGGTAGGACACTTCAACCAACCA-3'
Protein context (NP_892006.3, residues 7588-7608): SGLGSVPIPL[Gln7598Glu]QARTLFDEVQ

ClinVar aggregate classification (germline): Uncertain significance (1 of 4 stars; one submission).

Conditions:
Emery-Dreifuss muscular dystrophy 4, autosomal dominant (EDMD4). Also called: EMERY-DREIFUSS MUSCULAR DYSTROPHY 4 WITH VARIABLE FEATURES. Identifiers: Orphanet 261, MedGen C2751807, MONDO:0013071, OMIM 612998.
Autosomal recessive ataxia, Beauce type. Also called: SYNE1 Deficiency; Spinocerebellar ataxia, autosomal recessive 8; ATAXIA, RECESSIVE, OF BEAUCE; SYNE1-Related Autosomal Recessive Cerebellar Ataxia. Identifiers: Orphanet 88644, MedGen C1853116, MONDO:0012549, OMIM 610743.

Allele frequency attached by ClinVar (database versions not stated): gnomAD exomes below 0.00001; ExAC 0.00001.
gnomAD v4.1: 2 of 1,614,142 alleles (0.00012%); highest among the groups gnomAD compares: African/African-American, 0.0013%; no homozygotes.

Submission:

Labcorp Genetics (formerly Invitae), Labcorp
Classification: Uncertain significance for Emery-Dreifuss muscular dystrophy 4, autosomal dominant; Autosomal recessive ataxia, Beauce type. Last evaluated: 2022-08-05. Review status: criteria provided, single submitter. Criteria: Invitae Variant Classification Sherloc (09022015). Collection method: clinical testing. Allele origin: germline.
Comment: This variant is present in population databases (rs761862583, gnomAD 0.007%). In summary, the available evidence is currently insufficient to determine the role of this variant in disease. Therefore, it has been classified as a Variant of Uncertain Significance. Algorithms developed to predict the effect of missense changes on protein structure and function (SIFT, PolyPhen-2, Align-GVGD) all suggest that this variant is likely to be disruptive. This variant has not been reported in the literature in individuals affected with SYNE1-related conditions. This sequence change replaces glutamine, which is neutral and polar, with glutamic acid, which is acidic and polar, at codon 7527 of the SYNE1 protein (p.Gln7527Glu).